The following is an entry in ClinVar:

ClinVar aggregate classification (germline): Benign/Likely benign. Review status: criteria provided, multiple submitters, no conflicts (2 of 4 stars). 3 submissions from 3 submitters: Benign (1); Likely benign (2). Last evaluated 2025-01-28.

Conditions:
Marfan syndrome (MFS). Also called: Marfan syndrome, classic; MARFAN SYNDROME, TYPE I; Marfan syndrome type 1; Marfan's syndrome; FBN1-Related Marfan Syndrome. Identifiers: Orphanet 284963, Orphanet 558, MedGen C0024796, MONDO:0007947, OMIM 154700.
Familial thoracic aortic aneurysm and aortic dissection (TAAD). Also called: Thoracic aortic aneurysms and dissections. Identifiers: Orphanet 91387, MedGen C4707243, MONDO:0019625.

Submissions (3):

Women's Health and Genetics/Laboratory Corporation of America, LabCorp
Classification: Likely benign. Last evaluated: 2025-01-28. Review status: criteria provided, single submitter. Criteria: LabCorp Variant Classification Summary - May 2015. Collection method: clinical testing. Allele origin: germline.
Comment: Variant summary: FBN1 c.6380-13delT alters a conserved nucleotide located at a position not widely known to affect splicing. Consensus agreement among computation tools predict no significant impact on normal splicing. However, these predictions have yet to be confirmed by functional studies. The variant allele was found at a frequency of 8.1e-06 in 248066 control chromosomes (gnomAD). The available data on variant occurrences in the general population are insufficient to allow any conclusion about variant significance. To our knowledge, no occurrence of c.6380-13delT in individuals affected with Marfan Syndrome and no experimental evidence demonstrating its impact on protein function have been reported. ClinVar contains an entry for this variant (Variation ID: 1630690). Based on the evidence outlined above, the variant was classified as likely benign.

Labcorp Genetics (formerly Invitae), Labcorp
Classification: Benign for Marfan syndrome; Familial thoracic aortic aneurysm and aortic dissection. Last evaluated: 2025-01-19. Review status: criteria provided, single submitter. Criteria: Invitae Variant Classification Sherloc (09022015). Collection method: clinical testing. Allele origin: germline.

Color Diagnostics, LLC DBA Color Health
Classification: Likely benign for Familial thoracic aortic aneurysm and aortic dissection. Last evaluated: 2024-02-26. Review status: criteria provided, single submitter. Criteria: ACMG Guidelines, 2015. Collection method: clinical testing. Allele origin: germline.

NM_000138.5(FBN1):c.6380-13del

Gene: FBN1 (fibrillin 1; minus strand). Cytogenetic location: 15q21.1.
Variant type: Deletion.
Coding change: c.6380-13del on transcript NM_000138.5 (MANE Select); 13 bases into the intron before coding-DNA position 6380, one base deleted (T; older notation c.6380-13delT).
Molecular consequence: intron variant.
Genome position (GRCh38, 1-based): chr15:48,437,090, A deleted on the plus strand (T on the coding strand, the reverse complement: FBN1 is on the minus strand); the first of 8 consecutive A bases (chr15:48,437,090-48,437,097); deleting any one gives the same sequence. VCF-style (leftmost placement, unchanged base first): chr15-48437089-GA-G. GRCh37 (hg19) VCF-style: chr15-48729286-GA-G.
Other names: c.6380-13delT (NM_000138.5).
Identifiers: ClinVar variation 1630690 (VCV001630690.11), dbSNP rs768078387, ClinGen allele CA269526273.